The following is an entry in ClinVar:

NM_182548.4(LHFPL5):c.507G>A (p.Thr169=)

Gene: LHFPL5 (LHFPL tetraspan subfamily member 5; plus strand). Cytogenetic location: 6p21.31.
Variant type: single nucleotide variant.
Coding change: c.507G>A on transcript NM_182548.4 (MANE Select); coding-DNA position 507, G replaced by A.
Protein change: p.Thr169=; no amino-acid change (threonine 169 retained).
Molecular consequence: synonymous variant.
Genome position (GRCh38, 1-based): chr6:35,814,640, G>A. VCF-style: chr6-35814640-G-A. GRCh37 (hg19) VCF-style: chr6-35782417-G-A.
Identifiers: ClinVar variation 1204094 (VCV001204094.11), dbSNP rs149932459, ClinGen allele CA3774430.

ClinVar aggregate classification (germline): Likely benign. Review status: criteria provided, multiple submitters, no conflicts (2 of 4 stars). 4 submissions from 4 submitters: Likely benign (3). 1 of the submissions does not count toward it. Last evaluated 2024-06-12.

Conditions:
LHFPL5-related disorder. Also called: LHFPL5-related condition.

Allele frequency attached by ClinVar (database versions not stated): gnomAD exomes 0.00004 and 0.00011; ExAC 0.00013; 1000 Genomes Project 30x 0.00016; 1000 Genomes Project 0.00020; gnomAD 0.00021 and 0.00023; TOPMed 0.00029; ESP Exome Variant Server 0.00054.
gnomAD v4.1: 94 of 1,614,154 alleles (0.0058%); highest among the groups gnomAD compares: African/African-American, 0.075%; no homozygotes.

Submissions (4):

Labcorp Genetics (formerly Invitae), Labcorp
Classification: Likely benign. Last evaluated: 2024-06-12. Review status: criteria provided, single submitter. Criteria: Invitae Variant Classification Sherloc (09022015). Collection method: clinical testing. Allele origin: germline.

GeneDx
Classification: Likely benign. Last evaluated: 2020-11-20. Review status: criteria provided, single submitter. Criteria: GeneDx Variant Classification Process June 2021. Collection method: clinical testing. Allele origin: germline. Affected: yes.

Breakthrough Genomics
Classification: Likely benign. Review status: criteria provided, single submitter. Criteria: ACMG Guidelines, 2015. Collection method: not provided. Allele origin: germline. Inheritance: Autosomal recessive inheritance. Affected: yes.

PreventionGenetics, part of Exact Sciences
Classification: Likely benign for LHFPL5-related condition. Last evaluated: 2021-02-17. Review status: no assertion criteria provided. Collection method: clinical testing. Allele origin: germline. Not counted in ClinVar's aggregate classification.
Comment: This variant is classified as likely benign based on ACMG/AMP sequence variant interpretation guidelines (Richards et al. 2015 PMID: 25741868, with internal and published modifications).